The following is an entry in ClinVar:

ClinVar aggregate classification (germline): Uncertain significance. Review status: criteria provided, multiple submitters, no conflicts (2 of 4 stars). 2 submissions from 2 submitters: Uncertain significance (2). Last evaluated 2023-04-03.

Conditions:
Multiple endocrine neoplasia, type 1 (MEN1). Also called: Endocrine adenomatosis multiple; MEN 1; MEN I; WERMER SYNDROME; MEA I. Identifiers: Orphanet 652, MedGen C0025267, MeSH D018761, MONDO:0007540, OMIM 131100.

Submissions (2):

All of Us Research Program, National Institutes of Health
Classification: Uncertain significance for Multiple endocrine neoplasia, type 1. Last evaluated: 2023-04-03. Review status: criteria provided, single submitter. Criteria: ACMG Guidelines, 2015. Collection method: clinical testing. Allele origin: germline. Inheritance: Autosomal dominant inheritance. Observed: 1 variant allele, 1 heterozygote.
Comment: This missense variant replaces threonine with alanine at codon 594 of the MEN1 protein. Computational prediction suggests that this variant may not impact protein structure and function (internally defined REVEL score threshold <= 0.5, PMID: 27666373). To our knowledge, functional studies have not been reported for this variant. This variant has not been reported in individuals affected with MEN1-related disorders in the literature. This variant has not been identified in the general population by the Genome Aggregation Database (gnomAD). The available evidence is insufficient to determine the role of this variant in disease conclusively. Therefore, this variant is classified as a Variant of Uncertain Significance.

This study involves interpretation of variants in research participants for the purpose of population health screening. Participant phenotype was not available at the time of variant classification. Additional details can be found in publication PMID: 35346344, PMCID: PMC8962531

Institute of Human Genetics, University of Leipzig Medical Center
Classification: Uncertain significance for Multiple endocrine neoplasia, type 1. Last evaluated: 2019-01-01. Review status: criteria provided, single submitter. Criteria: ACMG Guidelines, 2015. Collection method: clinical testing. Allele origin: unknown. Affected: no.

NM_001370259.2(MEN1):c.1780A>G (p.Thr594Ala)

Gene: MEN1 (menin 1; minus strand). Cytogenetic location: 11q13.1.
Variant type: single nucleotide variant.
Coding change: c.1780A>G on transcript NM_001370259.2 (MANE Select); coding-DNA position 1780, A replaced by G.
Protein change: p.Thr594Ala; replaces threonine 594 with alanine.
Molecular consequence: missense variant.
Genome position (GRCh38, 1-based): chr11:64,804,387, T>C on the plus strand (A>G on the coding strand, the complement: MEN1 is on the minus strand). VCF-style: chr11-64804387-T-C. GRCh37 (hg19) VCF-style: chr11-64571859-T-C.
Other names: c.1795A>G, p.Thr599Ala (NM_000244.4, NM_130800.3, NM_130801.3 and 3 more transcripts); c.1906A>G, p.Thr636Ala (NM_001370251.2); c.1780A>G, p.Thr594Ala (NM_001370260.2, NM_001370261.2, NM_130799.3); c.1675A>G, p.Thr559Ala (NM_001370262.2, NM_001370263.2); short protein forms T559A, T594A, T599A, T636A.
Identifiers: ClinVar variation 983145 (VCV000983145.3), dbSNP rs1941488490, ClinGen allele CA381177325.